The following is an entry in ClinVar:

ClinVar aggregate classification (germline): Pathogenic. Review status: criteria provided, multiple submitters, no conflicts (2 of 4 stars). 2 submissions from 2 submitters: Pathogenic (2). Last evaluated 2024-10-08.

Conditions:
Dubin-Johnson syndrome (DJS). Also called: Jaundice, Chronic Idiopathic; Hyperbilirubinemia type 2; HYPERBILIRUBINEMIA, DUBIN-JOHNSON TYPE. Identifiers: Orphanet 234, MedGen C0022350, MONDO:0009380, OMIM 237500.

Allele frequency attached by ClinVar (database versions not stated): gnomAD exomes below 0.00001; ESP Exome Variant Server 0.00008.
gnomAD v4.1: 8 of 1,614,030 alleles (0.0005%); highest among the groups gnomAD compares: African/African-American, 0.008%; no homozygotes.

Submissions (2):

Women's Health and Genetics/Laboratory Corporation of America, LabCorp
Classification: Pathogenic for Dubin-Johnson syndrome. Last evaluated: 2024-10-08. Review status: criteria provided, single submitter. Criteria: LabCorp Variant Classification Summary - May 2015. Collection method: clinical testing. Allele origin: germline.
Comment: Variant summary: ABCC2 c.4327C>T (p.Gln1443X) results in a premature termination codon, predicted to cause absence of the protein due to nonsense mediated decay, which is a commonly known mechanism for disease. The variant allele was found at a frequency of 1.2e-05 in 251088 control chromosomes (gnomAD). To our knowledge, no occurrence of c.4327C>T in individuals affected with Dubin-Johnson Syndrome and no experimental evidence demonstrating its impact on protein function have been reported. ClinVar contains an entry for this variant (Variation ID: 2735472). Based on the evidence outlined above, the variant was classified as pathogenic.

Labcorp Genetics (formerly Invitae), Labcorp
Classification: Pathogenic. Last evaluated: 2023-12-02. Review status: criteria provided, single submitter. Criteria: Invitae Variant Classification Sherloc (09022015). Collection method: clinical testing. Allele origin: germline.
Comment: This sequence change creates a premature translational stop signal (p.Gln1443*) in the ABCC2 gene. It is expected to result in an absent or disrupted protein product. Loss-of-function variants in ABCC2 are known to be pathogenic (PMID: 9185779, 16549534, 16952291). This variant is present in population databases (rs145715632, gnomAD 0.01%). This variant has not been reported in the literature in individuals affected with ABCC2-related conditions. For these reasons, this variant has been classified as Pathogenic.

Literature cited by the submitters: PubMed 9185779 (cited by Labcorp Genetics (formerly Invitae), Labcorp); PubMed 16549534 (cited by Labcorp Genetics (formerly Invitae), Labcorp); PubMed 16952291 (cited by Labcorp Genetics (formerly Invitae), Labcorp).

NM_000392.5(ABCC2):c.4327C>T (p.Gln1443Ter)

Gene: ABCC2 (ATP binding cassette subfamily C member 2; plus strand). Cytogenetic location: 10q24.2.
Variant type: single nucleotide variant.
Coding change: c.4327C>T on transcript NM_000392.5 (MANE Select); coding-DNA position 4327, C replaced by T.
Protein change: p.Gln1443Ter; replaces glutamine 1443 with a stop codon.
Molecular consequence: nonsense.
Genome position (GRCh38, 1-based): chr10:99,850,615, C>T. VCF-style: chr10-99850615-C-T. GRCh37 (hg19) VCF-style: chr10-101610372-C-T.
Other names: short protein forms Q1443*.
Identifiers: ClinVar variation 2735472 (VCV002735472.4), dbSNP rs145715632, ClinGen allele CA5644114.
Genomic context (GRCh38, chr10:99,850,615, plus strand): 5'-TCCTTGGTCTTTAGGAGCTAACACATGGTTGCTTCTATTGGCTGCAGCATAGGCCAGAGG[C>T]AGCTGCTGTGCCTGGGCAGGGCTCTGCTTCGGAAATCCAAGATCCTGGTCCTGGATGAGG-3'